The following is an entry in ClinVar:

NM_006206.6(PDGFRA):c.3092A>G (p.Glu1031Gly)

Gene: PDGFRA (platelet derived growth factor receptor alpha; plus strand). Cytogenetic location: 4q12.
Variant type: single nucleotide variant.
Coding change: c.3092A>G on transcript NM_006206.6 (MANE Select); coding-DNA position 3092, A replaced by G.
Protein change: p.Glu1031Gly; replaces glutamic acid 1031 with glycine.
Molecular consequence: missense variant.
Genome position (GRCh38, 1-based): chr4:54,290,524, A>G. VCF-style: chr4-54290524-A-G. GRCh37 (hg19) VCF-style: chr4-55156691-A-G.
Other names: c.3167A>G, p.Glu1056Gly (NM_001347828.2); c.3092A>G, p.Glu1031Gly (NM_001347829.2); c.3131A>G, p.Glu1044Gly (NM_001347830.2); short protein forms E1056G, E1031G, E1044G.
Identifiers: ClinVar variation 4744601 (VCV004744601.1).

ClinVar aggregate classification (germline): Uncertain significance (1 of 4 stars; one submission).

Conditions:
Gastrointestinal stromal tumor. Also called: Gastrointestinal stromal tumor, somatic; Gastrointestinal stroma tumor. Identifiers: Orphanet 44890, MedGen C0238198, MeSH D046152, MONDO:0011719, OMIM 606764, HP:0100723.

Submission:

Labcorp Genetics (formerly Invitae), Labcorp
Classification: Uncertain significance for Gastrointestinal stromal tumor. Last evaluated: 2025-09-19. Review status: criteria provided, single submitter. Criteria: Invitae Variant Classification Sherloc (09022015). Collection method: clinical testing. Allele origin: germline.
Comment: This sequence change replaces glutamic acid, which is acidic and polar, with glycine, which is neutral and non-polar, at codon 1031 of the PDGFRA protein (p.Glu1031Gly). This variant is not present in population databases (gnomAD no frequency). This variant has not been reported in the literature in individuals affected with PDGFRA-related conditions. Invitae Evidence Modeling of protein sequence and biophysical properties (such as structural, functional, and spatial information, amino acid conservation, physicochemical variation, residue mobility, and thermodynamic stability) indicates that this missense variant is not expected to disrupt PDGFRA protein function with a negative predictive value of 80%. In summary, the available evidence is currently insufficient to determine the role of this variant in disease. Therefore, it has been classified as a Variant of Uncertain Significance.